The following is an entry in ClinVar:

NM_002439.5(MSH3):c.1912T>A (p.Phe638Ile)

Gene: MSH3 (mutS homolog 3; plus strand). Cytogenetic location: 5q14.1.
Variant type: single nucleotide variant.
Coding change: c.1912T>A on transcript NM_002439.5 (MANE Select); coding-DNA position 1912, T replaced by A.
Protein change: p.Phe638Ile; replaces phenylalanine 638 with isoleucine.
Molecular consequence: missense variant.
Genome position (GRCh38, 1-based): chr5:80,767,948, T>A. VCF-style: chr5-80767948-T-A. GRCh37 (hg19) VCF-style: chr5-80063767-T-A.
Other names: short protein forms F638I.
Identifiers: ClinVar variation 2091611 (VCV002091611.4), dbSNP rs879064574, ClinGen allele CA121319870.

ClinVar aggregate classification (germline): Uncertain significance (1 of 4 stars; one submission).

Allele frequency attached by ClinVar (database versions not stated): gnomAD exomes below 0.00001.
gnomAD v4.1: 3 of 1,610,288 alleles (0.00019%); highest among the groups gnomAD compares: South Asian, 0.0033%; no homozygotes.

Submission:

Labcorp Genetics (formerly Invitae), Labcorp
Classification: Uncertain significance. Last evaluated: 2022-02-01. Review status: criteria provided, single submitter. Criteria: Invitae Variant Classification Sherloc (09022015). Collection method: clinical testing. Allele origin: germline.
Comment: Algorithms developed to predict the effect of missense changes on protein structure and function (SIFT, PolyPhen-2, Align-GVGD) all suggest that this variant is likely to be tolerated. In summary, the available evidence is currently insufficient to determine the role of this variant in disease. Therefore, it has been classified as a Variant of Uncertain Significance. This variant has not been reported in the literature in individuals affected with MSH3-related conditions. This variant is not present in population databases (gnomAD no frequency). This sequence change replaces phenylalanine, which is neutral and non-polar, with isoleucine, which is neutral and non-polar, at codon 638 of the MSH3 protein (p.Phe638Ile).